The following is an entry in ClinVar:

ClinVar aggregate classification (germline): Pathogenic/Likely pathogenic. Review status: criteria provided, multiple submitters, no conflicts (2 of 4 stars). 2 submissions from 2 submitters: Pathogenic (1); Likely pathogenic (1). Last evaluated 2025-09-21.

Conditions:
Amyotrophic lateral sclerosis type 1 (ALS1). Also called: AMYOTROPHIC LATERAL SCLEROSIS 1, FAMILIAL. Identifiers: Orphanet 803, MedGen C1862939, MONDO:0007103, OMIM 105400.

Allele frequency attached by ClinVar (database versions not stated): gnomAD exomes 0.00001.
gnomAD v4.1: 6 of 1,613,948 alleles (0.00037%); highest among the groups gnomAD compares: Non-Finnish European, 0.00051%; no homozygotes.

Submissions (2):

Labcorp Genetics (formerly Invitae), Labcorp
Classification: Pathogenic for Amyotrophic lateral sclerosis type 1. Last evaluated: 2025-09-21. Review status: criteria provided, single submitter. Criteria: Invitae Variant Classification Sherloc (09022015). Collection method: clinical testing. Allele origin: germline.
Comment: This sequence change replaces aspartic acid, which is acidic and polar, with valine, which is neutral and non-polar, at codon 125 of the SOD1 protein (p.Asp125Val). This variant is not present in population databases (gnomAD no frequency). This missense change has been observed in individuals with autosomal dominant amyotrophic lateral sclerosis (PMID: 8938700, 22292843, 28105640; internal data). This variant is also known as p.Asp124Val. ClinVar contains an entry for this variant (Variation ID: 1067619). Invitae Evidence Modeling of protein sequence and biophysical properties (such as structural, functional, and spatial information, amino acid conservation, physicochemical variation, residue mobility, and thermodynamic stability) indicates that this missense variant is expected to disrupt SOD1 protein function with a positive predictive value of 95%. Experimental studies have shown that this missense change affects SOD1 function (PMID: 16945901, 19483195, 23280792). This variant disrupts the p.Asp125 amino acid residue in SOD1. Other variant(s) that disrupt this residue have been observed in individuals with SOD1-related conditions (PMID: 14506936, 31170830), which suggests that this may be a clinically significant amino acid residue. For these reasons, this variant has been classified as Pathogenic.

GeneDx
Classification: Likely pathogenic. Last evaluated: 2022-06-15. Review status: criteria provided, single submitter. Criteria: GeneDx Variant Classification Process June 2021. Collection method: clinical testing. Allele origin: germline. Affected: yes.
Comment: Published functional studies demonstrate a damaging effect by causing chronic endoplasmic reticulum stress by exposing the Derlin-1 binding region (Fijisawa et al., 2012); Reported in an individual with familial ALS in published literature (Hosler et al., 1996); Not observed at significant frequency in large population cohorts (gnomAD); In silico analysis supports that this missense variant has a deleterious effect on protein structure/function; This variant is associated with the following publications: (PMID: 19635794, 23291526, 16945901, 8938700, 30622123, 29431095, 20515040, 19483195, 23280792)

Literature cited by the submitters: PubMed 8938700 (cited by Labcorp Genetics (formerly Invitae), Labcorp); PubMed 22292843 (cited by Labcorp Genetics (formerly Invitae), Labcorp); PubMed 28105640 (cited by Labcorp Genetics (formerly Invitae), Labcorp); PubMed 16945901 (cited by Labcorp Genetics (formerly Invitae), Labcorp); PubMed 19483195 (cited by Labcorp Genetics (formerly Invitae), Labcorp); PubMed 23280792 (cited by Labcorp Genetics (formerly Invitae), Labcorp); PubMed 14506936 (cited by Labcorp Genetics (formerly Invitae), Labcorp); PubMed 31170830 (cited by Labcorp Genetics (formerly Invitae), Labcorp).

NM_000454.5(SOD1):c.374A>T (p.Asp125Val)

Gene: SOD1 (superoxide dismutase 1; plus strand). Cytogenetic location: 21q22.11.
Variant type: single nucleotide variant.
Coding change: c.374A>T on transcript NM_000454.5 (MANE Select); coding-DNA position 374, A replaced by T.
Protein change: p.Asp125Val; replaces aspartic acid 125 with valine.
Molecular consequence: missense variant.
Genome position (GRCh38, 1-based): chr21:31,668,487, A>T. VCF-style: chr21-31668487-A-T. GRCh37 (hg19) VCF-style: chr21-33040800-A-T.
Other names: short protein forms D125V.
Identifiers: ClinVar variation 1067619 (VCV001067619.8), dbSNP rs1568811366, ClinGen allele CA410037660.
Genomic context (GRCh38, chr21:31,668,487, plus strand): 5'-GATTACTTGACAGCCCAAAGTTATCTTCTTAAAATTTTTTACAGGTCCATGAAAAAGCAG[A>T]TGACTTGGGCAAAGGTGGAAATGAAGAAAGTACAAAGACAGGAAACGCTGGAAGTCGTTT-3'
Protein context (NP_000445.1, residues 115-135): GRTLVVHEKA[Asp125Val]DLGKGGNEES